The following is an entry in ClinVar:

ClinVar aggregate classification (germline): Uncertain significance. Review status: criteria provided, multiple submitters, no conflicts (2 of 4 stars). 2 submissions from 2 submitters: Uncertain significance (2). Last evaluated 2026-08-20.

Conditions:
Hereditary breast ovarian cancer syndrome. Also called: Hereditary breast and ovarian cancer syndrome; Hereditary breast and/or ovarian cancer syndrome; Hereditary breast and ovarian cancer syndrome (HBOC); BRCA1- and BRCA2-Associated Hereditary Breast and Ovarian Cancer; Hereditary breast and ovarian cancer; Breast and ovarian cancer. Identifiers: Orphanet 145, MedGen C0677776, MeSH D061325, MONDO:0003582. Disease mechanism: loss of function.
Hereditary cancer-predisposing syndrome. Also called: Hereditary Cancer Syndrome; Hereditary neoplastic syndrome; Neoplastic Syndromes, Hereditary; Tumor predisposition. Identifiers: Orphanet 140162, MedGen C0027672, MeSH D009386, MONDO:0015356.

Submissions (2):

Ambry Genetics
Classification: Uncertain significance for Hereditary cancer-predisposing syndrome. Last evaluated: 2026-08-20. Review status: criteria provided, single submitter. Criteria: Ambry Variant Classification Scheme 2023. Collection method: clinical testing. Allele origin: germline.
Comment: The p.C1948R variant (also known as c.5842T>C), located in coding exon 10 of the BRCA2 gene, results from a T to C substitution at nucleotide position 5842. The cysteine at codon 1948 is replaced by arginine, an amino acid with highly dissimilar properties. This amino acid position is conserved. In addition, this alteration is predicted to be tolerated by in silico analysis. Based on the available evidence, the clinical significance of this variant remains unclear.

Labcorp Genetics (formerly Invitae), Labcorp
Classification: Uncertain significance for Hereditary breast ovarian cancer syndrome. Last evaluated: 2025-06-03. Review status: criteria provided, single submitter. Criteria: Invitae Variant Classification Sherloc (09022015). Collection method: clinical testing. Allele origin: germline.
Comment: This sequence change replaces cysteine, which is neutral and slightly polar, with arginine, which is basic and polar, at codon 1948 of the BRCA2 protein (p.Cys1948Arg). This variant is not present in population databases (gnomAD no frequency). This variant has not been reported in the literature in individuals affected with BRCA2-related conditions. ClinVar contains an entry for this variant (Variation ID: 2867946). Invitae Evidence Modeling of protein sequence and biophysical properties (such as structural, functional, and spatial information, amino acid conservation, physicochemical variation, residue mobility, and thermodynamic stability) indicates that this missense variant is not expected to disrupt BRCA2 protein function with a negative predictive value of 95%. In summary, the available evidence is currently insufficient to determine the role of this variant in disease. Therefore, it has been classified as a Variant of Uncertain Significance.

NM_000059.4(BRCA2):c.5842T>C (p.Cys1948Arg)

Gene: BRCA2 (BRCA2 DNA repair associated; plus strand). Cytogenetic location: 13q13.1.
Variant type: single nucleotide variant.
Coding change: c.5842T>C on transcript NM_000059.4 (MANE Select); coding-DNA position 5842, T replaced by C.
Protein change: p.Cys1948Arg; replaces cysteine 1948 with arginine.
Molecular consequence: missense variant. On other transcripts: non-coding transcript variant (1), intron variant (2).
Genome position (GRCh38, 1-based): chr13:32,340,197, T>C. VCF-style: chr13-32340197-T-C. GRCh37 (hg19) VCF-style: chr13-32914334-T-C.
Other names: c.5842T>C, p.Cys1948Arg (NM_001406719.1, NM_001406720.1); c.1910-4361T>C (NM_001406721.1); c.425-4361T>C (NM_001406722.1); short protein forms C1948R.
Identifiers: ClinVar variation 2867946 (VCV002867946.4), dbSNP rs2137521572, ClinGen allele CA387787360.